The following is an entry in ClinVar:

ClinVar aggregate classification (germline): Uncertain significance (1 of 4 stars; one submission).

Conditions:
Neurofibromatosis, type 2 (SWNV). Also called: SCHWANNOMATOSIS, VESTIBULAR; BILATERAL ACOUSTIC NEUROFIBROMATOSIS; NF2-Related Schwannomatosis. Identifiers: Orphanet 637, MedGen C0027832, MONDO:0007039, OMIM 101000. Disease mechanism: loss of function.

Allele frequency attached by ClinVar (database versions not stated): gnomAD exomes below 0.00001.
gnomAD v4.1: 1 of 1,614,158 alleles (0.000062%); highest among the groups gnomAD compares: South Asian, 0.0011%; no homozygotes.

Submission:

Labcorp Genetics (formerly Invitae), Labcorp
Classification: Uncertain significance for Neurofibromatosis, type 2. Last evaluated: 2022-05-26. Review status: criteria provided, single submitter. Criteria: Invitae Variant Classification Sherloc (09022015). Collection method: clinical testing. Allele origin: germline.
Comment: In summary, the available evidence is currently insufficient to determine the role of this variant in disease. Therefore, it has been classified as a Variant of Uncertain Significance. Algorithms developed to predict the effect of missense changes on protein structure and function (SIFT, PolyPhen-2, Align-GVGD) all suggest that this variant is likely to be disruptive. This variant has not been reported in the literature in individuals affected with NF2-related conditions. This variant is not present in population databases (gnomAD no frequency). This sequence change replaces cysteine, which is neutral and slightly polar, with phenylalanine, which is neutral and non-polar, at codon 51 of the NF2 protein (p.Cys51Phe).

NM_000268.4(NF2):c.152G>T (p.Cys51Phe)

Gene: NF2 (NF2, moesin-ezrin-radixin like (MERLIN) tumor suppressor; plus strand). Cytogenetic location: 22q12.2.
Variant type: single nucleotide variant.
Coding change: c.152G>T on transcript NM_000268.4 (MANE Select); coding-DNA position 152, G replaced by T.
Protein change: p.Cys51Phe; replaces cysteine 51 with phenylalanine.
Molecular consequence: missense variant. On other transcripts: non-coding transcript variant (1), intron variant (3).
Genome position (GRCh38, 1-based): chr22:29,636,788, G>T. VCF-style: chr22-29636788-G-T. GRCh37 (hg19) VCF-style: chr22-30032777-G-T.
Other names: c.38G>T, p.Cys13Phe (NM_001407053.1, NM_001407056.1); c.152G>T, p.Cys51Phe (NM_001407054.1, NM_001407057.1, NM_001407058.1 and 9 more transcripts); c.-489G>T (NM_001407065.1); c.-105G>T (NM_001407067.1); c.115-2302G>T (NM_181828.3); c.115-5414G>T (NM_181830.3, NM_181831.3); short protein forms C13F, C51F.
Identifiers: ClinVar variation 2419747 (VCV002419747.10), dbSNP rs2146852451, ClinGen allele CA411152497.